The following is an entry in ClinVar:

NM_014476.6(PDLIM3):c.895A>C (p.Ser299Arg)

Gene: PDLIM3 (PDZ and LIM domain 3; minus strand). Cytogenetic location: 4q35.1.
Variant type: single nucleotide variant.
Coding change: c.895A>C on transcript NM_014476.6 (MANE Select); coding-DNA position 895, A replaced by C.
Protein change: p.Ser299Arg; replaces serine 299 with arginine.
Molecular consequence: missense variant. On other transcripts: non-coding transcript variant (1).
Genome position (GRCh38, 1-based): chr4:185,504,485, T>G on the plus strand (A>C on the coding strand, the complement: PDLIM3 is on the minus strand). VCF-style: chr4-185504485-T-G. GRCh37 (hg19) VCF-style: chr4-186425639-T-G.
Other names: c.751A>C, p.Ser251Arg (NM_001114107.5); c.631A>C, p.Ser211Arg (NM_001257962.2); c.394A>C, p.Ser132Arg (NM_001257963.2); short protein forms S299R, S211R, S132R, S251R.
Identifiers: ClinVar variation 520257 (VCV000520257.6), dbSNP rs1034968896, ClinGen allele CA112042510.

ClinVar aggregate classification (germline): Uncertain significance. Review status: criteria provided, multiple submitters, no conflicts (2 of 4 stars). 2 submissions from 2 submitters: Uncertain significance (2). Last evaluated 2024-11-04.

Conditions:
Cardiovascular phenotype. Identifiers: MedGen CN230736.
Hypertrophic cardiomyopathy. Also called: HYPERTROPHIC MYOCARDIOPATHY. Identifiers: Orphanet 217569, MedGen C0007194, MeSH D002312, MONDO:0005045, HP:0001639.
Primary dilated cardiomyopathy (DCM). Also called: Dilated Cardiomyopathy. Identifiers: Orphanet 217604, MedGen C0007193, MeSH D002311, MONDO:0005021, HP:0001644. Inheritance: Various modes of inheritance.

Allele frequency attached by ClinVar (database versions not stated): gnomAD 0.00001; TOPMed 0.00005.
gnomAD v4.1: 1 of 1,612,948 alleles (0.000062%); highest among the groups gnomAD compares: Admixed American, 0.0017%; no homozygotes.

Submissions (2):

Labcorp Genetics (formerly Invitae), Labcorp
Classification: Uncertain significance for Hypertrophic cardiomyopathy; Primary dilated cardiomyopathy. Last evaluated: 2024-11-04. Review status: criteria provided, single submitter. Criteria: Invitae Variant Classification Sherloc (09022015). Collection method: clinical testing. Allele origin: germline.
Comment: This sequence change replaces serine, which is neutral and polar, with arginine, which is basic and polar, at codon 299 of the PDLIM3 protein (p.Ser299Arg). This variant is not present in population databases (gnomAD no frequency). This variant has not been reported in the literature in individuals affected with PDLIM3-related conditions. ClinVar contains an entry for this variant (Variation ID: 520257). Invitae Evidence Modeling of protein sequence and biophysical properties (such as structural, functional, and spatial information, amino acid conservation, physicochemical variation, residue mobility, and thermodynamic stability) indicates that this missense variant is not expected to disrupt PDLIM3 protein function with a negative predictive value of 80%. In summary, the available evidence is currently insufficient to determine the role of this variant in disease. Therefore, it has been classified as a Variant of Uncertain Significance.

Ambry Genetics
Classification: Uncertain significance for Cardiovascular phenotype. Last evaluated: 2013-07-12. Review status: criteria provided, single submitter. Criteria: Ambry Autosomal Dominant and X-Linked criteria (10/2015). Collection method: clinical testing. Allele origin: germline. Observed: 1 variant allele.
Comment: There is insufficient or conflicting evidence for classification of this alteration.